The following is an entry in ClinVar:

NM_004544.4(NDUFA10):c.*1878C>T

Gene: NDUFA10 (NADH:ubiquinone oxidoreductase subunit A10; minus strand). Cytogenetic location: 2q37.3.
Variant type: single nucleotide variant.
Coding change: c.*1878C>T on transcript NM_004544.4 (MANE Select); 1878 bases downstream of the stop codon, C replaced by T.
Molecular consequence: 3 prime UTR variant. On other transcripts: non-coding transcript variant (3).
Genome position (GRCh38, 1-based): chr2:239,959,240, G>A on the plus strand (C>T on the coding strand, the complement: NDUFA10 is on the minus strand). VCF-style: chr2-239959240-G-A. GRCh37 (hg19) VCF-style: chr2-240898657-G-A.
Other names: c.*1883C>T (NM_001322020.2).
Identifiers: ClinVar variation 895504 (VCV000895504.5), dbSNP rs80067639, ClinGen allele CA68047872.

ClinVar aggregate classification (germline): Benign/Likely benign. Review status: criteria provided, multiple submitters, no conflicts (2 of 4 stars). 3 submissions from 2 submitters: Benign (1); Likely benign (2). Last evaluated 2021-05-22.

Conditions:
Mitochondrial complex I deficiency, nuclear type 1. Also called: NADH-COENZYME Q REDUCTASE DEFICIENCY; MITOCHONDRIAL NADH DEHYDROGENASE COMPONENT OF COMPLEX I, DEFICIENCY OF. Identifiers: MedGen C6022305, MONDO:0100224, OMIM 252010.
Leigh syndrome (NULS). Also called: Leigh Disease; Subacute necrotizing encephalopathy; Necrotizing encephalopathy infantile subacute of Leigh; LEIGH SYNDROME, NUCLEAR; Leigh's syndrome; Leigh's necrotizing encephalopathy. Identifiers: Orphanet 506, MedGen C2931891, MONDO:0009723, OMIM 256000.

Allele frequency attached by ClinVar (database versions not stated): gnomAD exomes 0.00083; gnomAD 0.01020 and 0.01081; TOPMed 0.01093; 1000 Genomes Project 0.01238; 1000 Genomes Project 30x 0.01265.
gnomAD v4.1: 2,264 of 985,404 alleles (0.23%); highest among the groups gnomAD compares: African/African-American, 3.5%; 43 homozygotes.

Submissions (3):

GeneDx
Classification: Likely benign. Last evaluated: 2021-05-22. Review status: criteria provided, single submitter. Criteria: GeneDx Variant Classification Process June 2021. Collection method: clinical testing. Allele origin: germline. Affected: yes.

Illumina Laboratory Services, Illumina
Classification: Benign for Leigh syndrome. Last evaluated: 2018-01-13. Review status: criteria provided, single submitter. Criteria: ICSL Variant Classification Criteria 13 December 2019. Collection method: clinical testing. Allele origin: germline.
Comment: This variant was observed in the ICSL laboratory as part of a predisposition screen in an ostensibly healthy population. It had not been previously curated by ICSL or reported in the Human Gene Mutation Database (HGMD: prior to June 1st, 2018), and was therefore a candidate for classification through an automated scoring system. Utilizing variant allele frequency, disease prevalence and penetrance estimates, and inheritance mode, an automated score was calculated to assess if this variant is too frequent to cause the disease. Based on the score and internal cut-off values, a variant classified as benign is not then subjected to further curation. The score for this variant resulted in a classification of benign for this disease.

Illumina Laboratory Services, Illumina
Classification: Likely benign for Mitochondrial complex I deficiency, nuclear type 1. Last evaluated: 2018-01-13. Review status: criteria provided, single submitter. Criteria: ICSL Variant Classification Criteria 13 December 2019. Collection method: clinical testing. Allele origin: germline.
Comment: This variant was observed in the ICSL laboratory as part of a predisposition screen in an ostensibly healthy population. It had not been previously curated by ICSL or reported in the Human Gene Mutation Database (HGMD: prior to June 1st, 2018), and was therefore a candidate for classification through an automated scoring system. Utilizing variant allele frequency, disease prevalence and penetrance estimates, and inheritance mode, an automated score was calculated to assess if this variant is too frequent to cause the disease. Based on the score and internal cut-off values, a variant classified as likely benign is not then subjected to further curation. The score for this variant resulted in a classification of likely benign for this disease.